The following is an entry in ClinVar:

ClinVar aggregate classification (germline): Uncertain significance (1 of 4 stars; one submission).

Conditions:
Osteogenesis imperfecta type I (OI1). Also called: OI, TYPE I; OSTEOGENESIS IMPERFECTA TARDA; OSTEOGENESIS IMPERFECTA WITH BLUE SCLERAE; Osteogenesis imperfecta type 1; Lobstein's Disease; Lobstein disease. Identifiers: Orphanet 216796, Orphanet 666, MedGen C0023931, MONDO:0008146, OMIM 166200. Disease mechanism: loss of function.
Ehlers-Danlos syndrome, classic type, 1 (EDSCL1). Also called: EHLERS-DANLOS SYNDROME, GRAVIS TYPE; EHLERS-DANLOS SYNDROME, SEVERE CLASSIC TYPE; Ehlers-Danlos syndrome, type 1; EDS I; Ehlers-Danlos Syndrome, Classic Type, COL5A1-Related. Identifiers: MedGen C0268335, MONDO:0019567, OMIM 130000.

Submission:

Labcorp Genetics (formerly Invitae), Labcorp
Classification: Uncertain significance for Osteogenesis imperfecta type I; Ehlers-Danlos syndrome, classic type, 1. Last evaluated: 2021-05-18. Review status: criteria provided, single submitter. Criteria: Invitae Variant Classification Sherloc (09022015). Collection method: clinical testing. Allele origin: germline.
Comment: This sequence change replaces histidine with glutamine at codon 1070 of the COL1A2 protein (p.His1070Gln). The histidine residue is weakly conserved and there is a small physicochemical difference between histidine and glutamine. This variant is not present in population databases (ExAC no frequency). This variant has not been reported in the literature in individuals with COL1A2-related conditions. Advanced modeling of protein sequence and biophysical properties (such as structural, functional, and spatial information, amino acid conservation, physicochemical variation, residue mobility, and thermodynamic stability) performed at Invitae indicates that this missense variant is not expected to disrupt COL1A2 protein function. In summary, the available evidence is currently insufficient to determine the role of this variant in disease. Therefore, it has been classified as a Variant of Uncertain Significance.

NM_000089.4(COL1A2):c.3210T>A (p.His1070Gln)

Gene: COL1A2 (collagen type I alpha 2 chain; plus strand). Cytogenetic location: 7q21.3.
Variant type: single nucleotide variant.
Coding change: c.3210T>A on transcript NM_000089.4 (MANE Select); coding-DNA position 3210, T replaced by A.
Protein change: p.His1070Gln; replaces histidine 1070 with glutamine.
Molecular consequence: missense variant.
Genome position (GRCh38, 1-based): chr7:94,427,238, T>A. VCF-style: chr7-94427238-T-A. GRCh37 (hg19) VCF-style: chr7-94056550-T-A.
Other names: short protein forms H1070Q.
Identifiers: ClinVar variation 1354617 (VCV001354617.8), dbSNP rs2115957891, ClinGen allele CA368225504.
Genomic context (GRCh38, chr7:94,427,238, plus strand): 5'-TCTTCCTTAGGGCCCTGCTGGTCCTTCTGGCCCTGCTGGAAAAGATGGTCGCACTGGACA[T>A]CCTGGTACAGTTGGACCTGCTGGCATTCGAGGCCCTCAGGGTCACCAAGGCCCTGCTGTA-3'
Protein context (NP_000080.2, residues 1060-1080): GPAGKDGRTG[His1070Gln]PGTVGPAGIR